The following is an entry in ClinVar:

NM_005219.5(DIAPH1):c.1549C>T (p.Gln517Ter)

Gene: DIAPH1 (diaphanous related formin 1; minus strand). Cytogenetic location: 5q31.3.
Variant type: single nucleotide variant.
Coding change: c.1549C>T on transcript NM_005219.5 (MANE Select); coding-DNA position 1549, C replaced by T.
Protein change: p.Gln517Ter; replaces glutamine 517 with a stop codon.
Molecular consequence: nonsense.
Genome position (GRCh38, 1-based): chr5:141,575,059, G>A on the plus strand (C>T on the coding strand, the complement: DIAPH1 is on the minus strand). VCF-style: chr5-141575059-G-A. GRCh37 (hg19) VCF-style: chr5-140954626-G-A.
Other names: c.1522C>T, p.Gln508Ter (NM_001079812.3); c.1549C>T, p.Gln517Ter (NM_001314007.2); short protein forms Q508*, Q517*.
Identifiers: ClinVar variation 839955 (VCV000839955.8), dbSNP rs2099895754, ClinGen allele CA361523729.

ClinVar aggregate classification (germline): Pathogenic (1 of 4 stars; one submission).

Conditions:
Progressive microcephaly-seizures-cortical blindness-developmental delay syndrome. Also called: Seizures, cortical blindness, and microcephaly syndrome. Identifiers: Orphanet 477814, MedGen C5567650, MONDO:0014714, OMIM 616632.
Autosomal dominant nonsyndromic hearing loss 1. Also called: DEAFNESS, AUTOSOMAL DOMINANT 1, WITH OR WITHOUT THROMBOCYTOPENIA; KONIGSMARK SYNDROME. Identifiers: Orphanet 90635, MedGen C1852282, MONDO:0007424, OMIM 124900.

Allele frequency attached by ClinVar (database versions not stated): gnomAD 0.00001.
gnomAD v4.1: 1 of 1,613,978 alleles (0.000062%); highest among the groups gnomAD compares: African/African-American, 0.0013%; no homozygotes.

Submission:

Labcorp Genetics (formerly Invitae), Labcorp
Classification: Pathogenic for Progressive microcephaly-seizures-cortical blindness-developmental delay syndrome; Autosomal dominant nonsyndromic hearing loss 1. Last evaluated: 2019-11-22. Review status: criteria provided, single submitter. Criteria: Invitae Variant Classification Sherloc (09022015). Collection method: clinical testing. Allele origin: germline.
Comment: This variant has not been reported in the literature in individuals with DIAPH1-related conditions. For these reasons, this variant has been classified as Pathogenic. Loss-of-function variants in DIAPH1 are known to be pathogenic (PMID: 24781755, 26463574). This variant is not present in population databases (ExAC no frequency). This sequence change creates a premature translational stop signal (p.Gln517*) in the DIAPH1 gene. It is expected to result in an absent or disrupted protein product.

Literature cited by the submitters: PubMed 24781755; PubMed 26463574.